The following is an entry in ClinVar:

NM_004304.5(ALK):c.2731A>C (p.Lys911Gln)

Gene: ALK (ALK receptor tyrosine kinase; minus strand). Cytogenetic location: 2p23.2.
Variant type: single nucleotide variant.
Coding change: c.2731A>C on transcript NM_004304.5 (MANE Select); coding-DNA position 2731, A replaced by C.
Protein change: p.Lys911Gln; replaces lysine 911 with glutamine.
Molecular consequence: missense variant.
Genome position (GRCh38, 1-based): chr2:29,228,968, T>G on the plus strand (A>C on the coding strand, the complement: ALK is on the minus strand). VCF-style: chr2-29228968-T-G. GRCh37 (hg19) VCF-style: chr2-29451834-T-G.
Other names: c.2731A>C (NM_004304.4); short protein forms K911Q.
Identifiers: ClinVar variation 1006051 (VCV001006051.7), dbSNP rs1664101526, ClinGen allele CA346469792.

ClinVar aggregate classification (germline): Uncertain significance. Review status: criteria provided, multiple submitters, no conflicts (2 of 4 stars). 2 submissions from 2 submitters: Uncertain significance (2). Last evaluated 2025-07-18.

Conditions:
Neuroblastoma, susceptibility to, 3. Also called: ALK-Related Neuroblastic Tumor Susceptibility. Identifiers: Orphanet 635, MedGen C2751681, MONDO:0013083, OMIM 613014.
Hereditary cancer-predisposing syndrome. Also called: Hereditary neoplastic syndrome; Neoplastic Syndromes, Hereditary; Tumor predisposition; Hereditary Cancer Syndrome. Identifiers: Orphanet 140162, MedGen C0027672, MeSH D009386, MONDO:0015356.

Submissions (2):

Ambry Genetics
Classification: Uncertain significance for Hereditary cancer-predisposing syndrome. Last evaluated: 2025-07-18. Review status: criteria provided, single submitter. Criteria: Ambry Variant Classification Scheme 2023. Collection method: clinical testing. Allele origin: germline.
Comment: The p.K911Q variant (also known as c.2731A>C), located in coding exon 16 of the ALK gene, results from an A to C substitution at nucleotide position 2731. The lysine at codon 911 is replaced by glutamine, an amino acid with similar properties. This amino acid position is conserved. In addition, this alteration is predicted to be tolerated by in silico analysis. Based on the available evidence, the clinical significance of this variant remains unclear.

Labcorp Genetics (formerly Invitae), Labcorp
Classification: Uncertain significance for Neuroblastoma, susceptibility to, 3. Last evaluated: 2023-12-23. Review status: criteria provided, single submitter. Criteria: Invitae Variant Classification Sherloc (09022015). Collection method: clinical testing. Allele origin: germline.
Comment: This sequence change replaces lysine, which is basic and polar, with glutamine, which is neutral and polar, at codon 911 of the ALK protein (p.Lys911Gln). This variant is not present in population databases (gnomAD no frequency). This variant has not been reported in the literature in individuals affected with ALK-related conditions. ClinVar contains an entry for this variant (Variation ID: 1006051). An algorithm developed to predict the effect of missense changes on protein structure and function (PolyPhen-2) suggests that this variant is likely to be disruptive. In summary, the available evidence is currently insufficient to determine the role of this variant in disease. Therefore, it has been classified as a Variant of Uncertain Significance.